The following is an entry in ClinVar:

ClinVar aggregate classification (germline): Likely pathogenic (1 of 4 stars; one submission).

Conditions:
Neurodevelopmental disorder with nonspecific brain abnormalities and with or without seizures. Identifiers: MedGen C5231470, MONDO:0032877, OMIM 618709.

Submission:

University of Washington Department of Laboratory Medicine, University of Washington
Classification: Likely pathogenic for Neurodevelopmental disorder with nonspecific brain abnormalities and with or without seizures. Last evaluated: 2022-11-02. Review status: criteria provided, single submitter. Criteria: ACMG Guidelines, 2015. Collection method: clinical testing. Allele origin: unknown. Affected: yes.
Comment: The p.Trp280* variant in the DLL1 gene has not been previously reported in association with disease. This variant was absent from large population databases, including the Genome Aggregation Database. The p.Trp280* leads to a premature termination codon in exon 6 of 11 exons and is predicted to undergo nonsense-mediated decay resulting in a truncated or absent protein. These predictions have not been tested directly. Heterozygous loss of function leading to haploinsufficiency of the DLL1 gene has been described as a mechanism of disease. Using ACMG guidelines, this variant was classified as likely pathogenic for autosomal dominant DLL1-related neurodevelopmental disorder (ACMG evidence codes used: PVS1, PM2_supporting).

NM_005618.4(DLL1):c.839G>A (p.Trp280Ter)

Gene: DLL1 (delta like canonical Notch ligand 1; minus strand). Cytogenetic location: 6q27.
Variant type: single nucleotide variant.
Coding change: c.839G>A on transcript NM_005618.4 (MANE Select); coding-DNA position 839, G replaced by A.
Protein change: p.Trp280Ter; replaces tryptophan 280 with a stop codon.
Molecular consequence: nonsense.
Genome position (GRCh38, 1-based): chr6:170,285,592, C>T on the plus strand (G>A on the coding strand, the complement: DLL1 is on the minus strand). VCF-style: chr6-170285592-C-T. GRCh37 (hg19) VCF-style: chr6-170594680-C-T.
Other names: c.839G>A (NM_005618.3); short protein forms W280*.
Identifiers: ClinVar variation 3777112 (VCV003777112.1).